The following is an entry in ClinVar:

NM_001190737.2(NFIB):c.899G>A (p.Ser300Asn)

Gene: NFIB (nuclear factor I B; minus strand). Cytogenetic location: 9p23.
Variant type: single nucleotide variant.
Coding change: c.899G>A on transcript NM_001190737.2 (MANE Select); coding-DNA position 899, G replaced by A.
Protein change: p.Ser300Asn; replaces serine 300 with asparagine.
Molecular consequence: missense variant. On other transcripts: non-coding transcript variant (4).
Genome position (GRCh38, 1-based): chr9:14,146,715, C>T on the plus strand (G>A on the coding strand, the complement: NFIB is on the minus strand). VCF-style: chr9-14146715-C-T. GRCh37 (hg19) VCF-style: chr9-14146714-C-T.
Other names: c.884G>A, p.Ser295Asn (NM_001369474.1); c.674G>A, p.Ser225Asn (NM_001369475.1); c.872G>A, p.Ser291Asn (NM_001369476.1, NM_001369465.1, NM_001369467.1); c.845G>A, p.Ser282Asn (NM_001369477.1); c.662G>A, p.Ser221Asn (NM_001369478.1, NM_001369470.1); c.362G>A, p.Ser121Asn (NM_001369479.1, NM_001369480.1); c.899G>A, p.Ser300Asn (NM_005596.3, NM_001369461.1, NM_001369464.1 and 1 more transcripts); c.977G>A, p.Ser326Asn (NM_001190738.2); and 4 more; short protein forms S121N, S221N, S225N, S252N, S282N, S291N, S295N, S296N.
Identifiers: ClinVar variation 2659076 (VCV002659076.24), dbSNP rs144909299, ClinGen allele CA4988523.

ClinVar aggregate classification (germline): Likely benign (1 of 4 stars; one submission).

Allele frequency attached by ClinVar (database versions not stated): ExAC 0.00021; TOPMed 0.00035; gnomAD 0.00037; gnomAD exomes 0.00041; ESP Exome Variant Server 0.00054.
gnomAD v4.1: 647 of 1,612,720 alleles (0.04%); highest among the groups gnomAD compares: Non-Finnish European, 0.051%; no homozygotes.

Submission:

CeGaT Center for Human Genetics Tuebingen
Classification: Likely benign. Last evaluated: 2025-10-01. Review status: criteria provided, single submitter. Criteria: CeGaT Center For Human Genetics Tuebingen Variant Classification Criteria Version 2. Collection method: clinical testing. Allele origin: germline. Affected: yes. Observed: 4 variant alleles.
Comment: NFIB: BS2